The following is an entry in ClinVar:

NM_005422.4(TECTA):c.3980G>T (p.Cys1327Phe)

Genes: TBCEL-TECTA (TBCEL-TECTA readthrough; plus strand), TECTA (tectorin alpha; plus strand). Cytogenetic location: 11q23.3.
Variant type: single nucleotide variant.
Coding change: c.3980G>T on transcript NM_005422.4 (MANE Select); coding-DNA position 3980, G replaced by T.
Protein change: p.Cys1327Phe; replaces cysteine 1327 with phenylalanine.
Molecular consequence: missense variant.
Genome position (GRCh38, 1-based): chr11:121,145,991, G>T. VCF-style: chr11-121145991-G-T. GRCh37 (hg19) VCF-style: chr11-121016700-G-T.
Other names: c.4937G>T, p.Cys1646Phe (NM_001378761.1); short protein forms C1327F, C1646F.
Identifiers: ClinVar variation 3907468 (VCV003907468.1).
Genomic context (GRCh38, chr11:121,145,991, plus strand): 5'-AGAACGCTGCCTTCTCCAAGTGTCACAGCAAAGTTAACCCCACCTTCTTCTATAAGAACT[G>T]CCTGTTTGACTCTTGCATCGATGGGGGCGCGGTGCAGACCGCCTGCAGCTGGCTGCAGAA-3'
Protein context (NP_005413.2, residues 1317-1337): KVNPTFFYKN[Cys1327Phe]LFDSCIDGGA

ClinVar aggregate classification (germline): Uncertain significance (1 of 4 stars; one submission).

Submission:

Women's Health and Genetics/Laboratory Corporation of America, LabCorp
Classification: Uncertain significance. Last evaluated: 2025-06-02. Review status: criteria provided, single submitter. Criteria: LabCorp Variant Classification Summary - May 2015. Collection method: clinical testing. Allele origin: germline.
Comment: Variant summary: TECTA c.3980G>T (p.Cys1327Phe) results in a non-conservative amino acid change in the encoded protein sequence. Algorithms developed to predict the effect of missense changes on protein structure and function all suggest that this variant is likely to be disruptive. The variant was absent in 251416 control chromosomes. The available data on variant occurrences in the general population are insufficient to allow any conclusion about variant significance. To our knowledge, no occurrence of c.3980G>T in individuals affected with Deafness, Autosomal Recessive 21 and no experimental evidence demonstrating its impact on protein function have been reported. No submitters have cited clinical-significance assessments for this variant to ClinVar. Based on the evidence outlined above, the variant was classified as uncertain significance.